The following is an entry in ClinVar:

ClinVar aggregate classification (germline): Uncertain significance (1 of 4 stars; one submission).

Conditions:
Aortic aneurysm, familial thoracic 7 (AAT7). Also called: AORTIC DISSECTION, FAMILIAL, WITH OR WITHOUT AORTIC ANEURYSM. Identifiers: MedGen C3151077, MONDO:0013418, OMIM 613780.

Submission:

Labcorp Genetics (formerly Invitae), Labcorp
Classification: Uncertain significance for Aortic aneurysm, familial thoracic 7. Last evaluated: 2023-12-05. Review status: criteria provided, single submitter. Criteria: Invitae Variant Classification Sherloc (09022015). Collection method: clinical testing. Allele origin: germline.
Comment: This sequence change replaces leucine, which is neutral and non-polar, with glutamine, which is neutral and polar, at codon 811 of the MYLK protein (p.Leu811Gln). This variant is not present in population databases (gnomAD no frequency). This variant has not been reported in the literature in individuals affected with MYLK-related conditions. Advanced modeling of protein sequence and biophysical properties (such as structural, functional, and spatial information, amino acid conservation, physicochemical variation, residue mobility, and thermodynamic stability) performed at Invitae indicates that this missense variant is not expected to disrupt MYLK protein function with a negative predictive value of 80%. In summary, the available evidence is currently insufficient to determine the role of this variant in disease. Therefore, it has been classified as a Variant of Uncertain Significance.

NM_053025.4(MYLK):c.2432T>A (p.Leu811Gln)

Gene: MYLK (myosin light chain kinase; minus strand). Cytogenetic location: 3q21.1.
Variant type: single nucleotide variant.
Coding change: c.2432T>A on transcript NM_053025.4 (MANE Select); coding-DNA position 2432, T replaced by A.
Protein change: p.Leu811Gln; replaces leucine 811 with glutamine.
Molecular consequence: missense variant.
Genome position (GRCh38, 1-based): chr3:123,701,468, A>T on the plus strand (T>A on the coding strand, the complement: MYLK is on the minus strand). VCF-style: chr3-123701468-A-T. GRCh37 (hg19) VCF-style: chr3-123420315-A-T.
Other names: c.1904T>A, p.Leu635Gln (NM_001321309.2); c.2225T>A, p.Leu742Gln (NM_053026.4, NM_053028.4); c.2432T>A, p.Leu811Gln (NM_053027.4); short protein forms L742Q, L811Q, L635Q.
Identifiers: ClinVar variation 2700998 (VCV002700998.3), dbSNP rs2474203280, ClinGen allele CA354232680.